The following is an entry in ClinVar:

ClinVar aggregate classification (germline): Uncertain significance (1 of 4 stars; one submission).

Conditions:
Immunodeficiency. Identifiers: MedGen C0021051, MONDO:0021094, HP:0002721.

Allele frequency attached by ClinVar (database versions not stated): gnomAD exomes below 0.00001.
gnomAD v4.1: 1 of 1,614,212 alleles (0.000062%); highest among the groups gnomAD compares: Admixed American, 0.0017%; no homozygotes.

Submission:

Labcorp Genetics (formerly Invitae), Labcorp
Classification: Uncertain significance for Immunodeficiency. Last evaluated: 2023-07-28. Review status: criteria provided, single submitter. Criteria: Invitae Variant Classification Sherloc (09022015). Collection method: clinical testing. Allele origin: germline.
Comment: In summary, the available evidence is currently insufficient to determine the role of this variant in disease. Therefore, it has been classified as a Variant of Uncertain Significance. Algorithms developed to predict the effect of missense changes on protein structure and function output the following: SIFT: "Not Available"; PolyPhen-2: "Benign"; Align-GVGD: "Not Available". The glycine amino acid residue is found in multiple mammalian species, which suggests that this missense change does not adversely affect protein function. This variant has not been reported in the literature in individuals affected with NFAT5-related conditions. This variant is present in population databases (no rsID available, gnomAD 0.003%). This sequence change replaces serine, which is neutral and polar, with glycine, which is neutral and non-polar, at codon 1311 of the NFAT5 protein (p.Ser1311Gly).

NM_138713.4(NFAT5):c.4213A>G (p.Ser1405Gly)

Gene: NFAT5 (nuclear factor of activated T cells 5; plus strand). Cytogenetic location: 16q22.1.
Variant type: single nucleotide variant.
Coding change: c.4213A>G on transcript NM_138713.4 (MANE Select); coding-DNA position 4213, A replaced by G.
Protein change: p.Ser1405Gly; replaces serine 1405 with glycine.
Molecular consequence: missense variant.
Genome position (GRCh38, 1-based): chr16:69,694,038, A>G. VCF-style: chr16-69694038-A-G. GRCh37 (hg19) VCF-style: chr16-69727941-A-G.
Other names: c.4210A>G, p.Ser1404Gly (NM_001113178.3); c.3538A>G, p.Ser1180Gly (NM_001367709.1); c.4159A>G, p.Ser1387Gly (NM_006599.4); c.3931A>G, p.Ser1311Gly (NM_138714.4, NM_173214.3, NM_173215.3); short protein forms S1311G, S1405G, S1180G, S1404G, S1387G.
Identifiers: ClinVar variation 3008239 (VCV003008239.3), dbSNP rs1434803153, ClinGen allele CA396515215.